The following is an entry in ClinVar:

NM_001854.4(COL11A1):c.1630-2del

Gene: COL11A1 (collagen type XI alpha 1 chain; minus strand). Cytogenetic location: 1p21.1.
Variant type: Deletion.
Coding change: c.1630-2del on transcript NM_001854.4 (MANE Select); the canonical splice acceptor site of the intron before coding-DNA position 1630, one base deleted (A; older notation c.1630-2delA).
Molecular consequence: splice acceptor variant.
Genome position (GRCh38, 1-based): chr1:103,008,518, T deleted on the plus strand (A on the coding strand, the reverse complement: COL11A1 is on the minus strand). VCF-style (leftmost placement, unchanged base first): chr1-103008517-CT-C. GRCh37 (hg19) VCF-style: chr1-103474073-CT-C.
Other names: c.1513-2del (NM_001190709.2); c.1666-2del (NM_080629.3); c.1282-2del (NM_080630.4); c.1630-2delA (NM_001854.4).
Identifiers: ClinVar variation 372792 (VCV000372792.21), dbSNP rs1057517989, ClinGen allele CA16042286.

ClinVar aggregate classification (germline): Pathogenic. Review status: criteria provided, multiple submitters, no conflicts (2 of 4 stars). 12 submissions from 12 submitters: Pathogenic (10). 2 of the submissions do not count toward it. Last evaluated 2026-04-20.

Conditions:
COL11A1-related disorder. Also called: COL11A1-related disorders; COL11A1-related condition.
Stickler syndrome. Identifiers: Orphanet 828, MedGen C0265253, MONDO:0019354.
Inborn genetic diseases. Identifiers: MedGen C0950123, MeSH D030342.
Stickler syndrome type 2 (STL2). Also called: COL11A1-Related Stickler Syndrome; STICKLER SYNDROME, TYPE II; STICKLER SYNDROME, BEADED VITREOUS TYPE; STICKLER SYNDROME, VITREOUS TYPE 2. Identifiers: Orphanet 828, Orphanet 90654, MedGen C1858084, MONDO:0011493, OMIM 604841.

Allele frequency attached by ClinVar (database versions not stated): gnomAD exomes below 0.00001; TOPMed below 0.00001.

Submissions (12):

Dasa
Classification: Pathogenic. Last evaluated: 2026-04-20. Review status: criteria provided, single submitter. Criteria: DASA Assertion Criteria. Collection method: clinical testing. Allele origin: germline.
Comment: NM_001854.4(COL11A1):c.1630-2del affects a canonical splice site and is predicted to disrupt normal RNA splicing, leading to loss of normal protein function. Loss-of-function is an established mechanism of disease for this gene. This variant has been recurrently observed in individuals with related phenotype (PMID: 10573014; PMID: 10486316; PMID: 20513134; PMID: 25240749; PMID: 29453956). Segregation evidence has been reported in affected families. The variant is present at low frequency in population datasets. Based on the available data, this variant is classified as pathogenic.

Labcorp Genetics (formerly Invitae), Labcorp
Classification: Pathogenic. Last evaluated: 2025-11-27. Review status: criteria provided, single submitter. Criteria: Invitae Variant Classification Sherloc (09022015). Collection method: clinical testing. Allele origin: germline.
Comment: This sequence change affects a splice site in intron 14 of the COL11A1 gene. RNA analysis indicates that disruption of this splice site induces altered splicing and likely results in a shortened protein product. This variant is not present in population databases (gnomAD no frequency). Disruption of this splice site has been observed in individual(s) with autosomal dominant Stickler syndrome (PMID: 10573014). It has also been observed to segregate with disease in related individuals. ClinVar contains an entry for this variant (Variation ID: 372792). Studies have shown that disruption of this splice site results in skipping of exon 15, but is expected to preserve the integrity of the reading-frame (PMID: 10573014). For these reasons, this variant has been classified as Pathogenic.

Women's Health and Genetics/Laboratory Corporation of America, LabCorp
Classification: Pathogenic for Stickler syndrome. Last evaluated: 2025-08-11. Review status: criteria provided, single submitter. Criteria: LabCorp Variant Classification Summary - May 2015. Collection method: clinical testing. Allele origin: germline.
Comment: Variant summary: COL11A1 c.1630-2delA is located in a canonical splice-site and is predicted to affect mRNA splicing resulting in a significantly altered protein due to either exon skipping, shortening, or inclusion of intronic material. Variants that disrupt the consensus splice site are a relatively common cause of aberrant splicing and loss of COL11A1 function. Several computational tools predict a significant impact on normal splicing: four predict the variant abolishes a 3' acceptor site. At least one publication confirmed this prediction, reporting experimental evidence that this variant affects mRNA splicing, causing the skipping of the neighboring exon with an in-frame deletion of 54 bp in the mRNA (Martin_1999). The variant was absent in 250924 control chromosomes (gnomAD). c.1630-2delA has been observed in multiple individuals affected with Stickler syndrome (e.g. Acke_2014, Martin_1999, Richards_2010), as well as in a patient with overlapping Marshall and Stickler syndrome phenotype (Annunen_1999). These data indicate that the variant is very likely to be associated with disease. The following publications have been ascertained in the context of this evaluation (PMID: 25240749, 10486316, 10573014, 20513134). ClinVar contains an entry for this variant (Variation ID: 372792). Based on the evidence outlined above, the variant was classified as pathogenic.

Ambry Genetics
Classification: Pathogenic for Inborn genetic diseases. Last evaluated: 2025-03-28. Review status: criteria provided, single submitter. Criteria: Ambry Variant Classification Scheme 2023. Collection method: clinical testing. Allele origin: germline.
Comment: The c.1630-2delA intronic variant results from a deletion of one nucleotide two nucleotide before coding exon 15 of the COL11A1 gene. Alterations that disrupt the canonical splice site are expected to result in aberrant splicing. A resulting transcript is predicted to be in-frame and is not expected to trigger nonsense-mediated mRNAdecay, although direct evidence is unavailable. However, the region predicted to be impacted is critical for protein function (Martin, 1999; Annunen, 1999). for autosomal dominant type XI collagenopathy; however, its clinical significance for autosomal recessive fibrochondrogenesis and autosomal dominant COL11A1-related deafness is uncertain. This variant was not reported in population-based cohorts in the Genome Aggregation Database (gnomAD). This variant was identified in one or more individuals with features consistent with Stickler syndrome (Annunen, 1999; Richards, 2010; Acke, 2014; Zhou, 2018) and segregated with disease in at least one family (Martin, 1999; Poulson, 2004). This variant has also been identified in an individual with apparently isolated sensorineural hearing loss (Seco, 2017). This nucleotide position is highly conserved in available vertebrate species. In silico splice site analysis predicts that this alteration will weaken the native splice acceptor site. Based on the available evidence, this alteration is classified as pathogenic.

Cambridge Genomics Laboratory, East Genomic Laboratory Hub, NHS Genomic Medicine Service
Classification: Pathogenic for Stickler syndrome. Last evaluated: 2024-11-13. Review status: criteria provided, single submitter. Criteria: ACGS Best Practice Guidelines for Variant Classification in Rare Disease 2020. Collection method: clinical testing. Allele origin: germline. Affected: yes.
Comment: PVS1_Strong,PS4_Moderate,PM2,PP1_Strong,PP4

Genomic Medicine Center of Excellence, King Faisal Specialist Hospital and Research Centre
Classification: Pathogenic for Stickler syndrome type 2. Last evaluated: 2024-03-25. Review status: criteria provided, single submitter. Criteria: ACMG Guidelines, 2015. Collection method: clinical testing. Allele origin: germline.

Blueprint Genetics
Classification: Pathogenic for COL11A1-related disorders. Last evaluated: 2023-05-16. Review status: criteria provided, single submitter. Criteria: ACMG Guidelines, 2015. Collection method: clinical testing. Allele origin: germline. Affected: yes. Observed: 5 variant alleles.

GeneDx
Classification: Pathogenic. Last evaluated: 2022-12-21. Review status: criteria provided, single submitter. Criteria: GeneDx Variant Classification Process June 2021. Collection method: clinical testing. Allele origin: germline. Affected: yes.
Comment: Destroys the canonical splice acceptor site in intron 14, and is expected to cause abnormal gene splicing; Not observed in large population cohorts (gnomAD); Using fibroblast cDNA derived from patients harboring this variant, Martin et al. (1999) reported this variant results in the skipping of exon 15; the loss of the encoded residues is in the triple helical region and is expected to disrupt normal protein folding and function, and this is an established mechanism of disease (HGMD; Acke et al., 2014); Deletions involving coding exons in this gene are frequently reported as pathogenic, regardless of frame prediction (HGMD); This variant is associated with the following publications: (PMID: 34680973, 34758253, 10486316, 15286167, 20513134, 25240749, 29453956, 28000701, 10573014)

3billion
Classification: Pathogenic for Stickler syndrome type 2. Last evaluated: 2022-03-22. Review status: criteria provided, single submitter. Criteria: ACMG Guidelines, 2015. Collection method: clinical testing. Allele origin: germline. Affected: yes. Observed: 1 heterozygote.
Comment: Canonical splice site: predicted to alter splicing and result in a loss or disruption of normal protein function through nonsense-mediated decay (NMD) or protein truncation. Multiple pathogenic variants are reported downstream of the variant.It is not observed in the gnomAD v2.1.1 dataset. The variant has been reported at least twice as pathogenic/likely pathogenic with clinical assertions and evidence for the classification (ClinVar ID: VCV000372792, PMID:10573014). Therefore, this variant is classified as pathogenic according to the recommendation of ACMG/AMP guideline.

Illumina Laboratory Services, Illumina
Classification: Pathogenic for Stickler syndrome type 2. Last evaluated: 2020-04-28. Review status: criteria provided, single submitter. Criteria: ICSLVariantClassificationCriteria RUGD 01 April 2020. Collection method: clinical testing. Allele origin: unknown.
Comment: The COL11A1 c.1630-2delA variant results in a substitution at the consensus splice acceptor site, which has been shown to cause skipping of exon 15 (Martin et al. 1999; Richards et al. 2010). The c.1630-2delA variant has been identified in a heterozygous state in at least six unrelated families with Stickler syndrome (Annunen et al. 1999; Martin et al. 1999; Richards et al. 2010; Acke et al. 2014). In one family, the c.1630-2delA variant was shown to segregate with disease among five affected individuals spanning three generations (Martin et al. 1999). This variant is not observed in version 2.1.1 of the Genome Aggregation Database. Based on the collective evidence, the c.1630-2delA variant is classified as pathogenic for Stickler syndrome.

OMIM
Classification: Pathogenic for STICKLER SYNDROME, TYPE II. Last evaluated: 1999-10-01. Review status: no assertion criteria provided. Collection method: literature only. Allele origin: germline. Not counted in ClinVar's aggregate classification.

Genomics England Pilot Project, Genomics England
Classification: Likely pathogenic for Stickler syndrome type 2. Review status: no assertion criteria provided. Criteria: ACGS Guidelines, 2016. Collection method: clinical testing. Allele origin: germline. Affected: yes. Not counted in ClinVar's aggregate classification.

Literature cited by the submitters: PubMed 10573014 (cited by 6 submitters); PubMed 10486316 (cited by 3 submitters); PubMed 20513134 (cited by 3 submitters); PubMed 25240749 (cited by 3 submitters); PubMed 29453956 (cited by Dasa and Ambry Genetics); PubMed 15286167 (cited by Dasa and Ambry Genetics); PubMed 28000701 (cited by Ambry Genetics).